The following is an entry in ClinVar:

NC_000005.10:g.112849376T>A

Variant type: single nucleotide variant.
Genome position: GRCh38 VCF-style: chr5-112849376-T-A. GRCh37 (hg19) VCF-style: chr5-112185073-T-A.
Identifiers: ClinVar variation 83288 (VCV000083288.3), dbSNP rs76990810, ClinGen allele CA250980.

ClinVar aggregate classification (germline): other (0 of 4 stars; one submission).

Conditions:
Familial colorectal cancer. Identifiers: MedGen CN280943, MONDO:0023113. Disease mechanism: loss of function.

Submission:

Systems Biology Platform Zhejiang California International NanoSystems Institute
Classification: other for Familial colorectal cancer. Review status: no assertion criteria provided. Collection method: not provided. Allele origin: unknown.
ClinVar note: Converted during submission from cancer to other.